The following is an entry in ClinVar:

ClinVar aggregate classification (germline): Likely benign. Review status: criteria provided, single submitter (1 of 4 stars). 2 submissions from 2 submitters: Likely benign (1). 1 of the submissions does not count toward it.

Conditions:
PARD3B-related disorder. Also called: PARD3B-related condition.

Allele frequency attached by ClinVar (database versions not stated): ESP Exome Variant Server 0.00017; gnomAD exomes 0.00019; gnomAD 0.00023; TOPMed 0.00029; 1000 Genomes Project 30x 0.00031; ExAC 0.00039; 1000 Genomes Project 0.00040.
gnomAD v4.1: 328 of 1,592,760 alleles (0.021%); highest among the groups gnomAD compares: Admixed American, 0.093%; no homozygotes.

Submissions (2):

Breakthrough Genomics
Classification: Likely benign. Review status: criteria provided, single submitter. Criteria: ACMG Guidelines, 2015. Collection method: not provided. Allele origin: germline. Inheritance: Unknown mechanism. Affected: yes.

PreventionGenetics, part of Exact Sciences
Classification: Likely benign for PARD3B-related condition. Last evaluated: 2022-04-05. Review status: no assertion criteria provided. Collection method: clinical testing. Allele origin: germline. Not counted in ClinVar's aggregate classification.
Comment: This variant is classified as likely benign based on ACMG/AMP sequence variant interpretation guidelines (Richards et al. 2015 PMID: 25741868, with internal and published modifications).

NM_001302769.2(PARD3B):c.2732A>G (p.Glu911Gly)

Gene: PARD3B (par-3 family cell polarity regulator beta; plus strand). Cytogenetic location: 2q33.3.
Variant type: single nucleotide variant.
Coding change: c.2732A>G on transcript NM_001302769.2 (MANE Select); coding-DNA position 2732, A replaced by G.
Protein change: p.Glu911Gly; replaces glutamic acid 911 with glycine.
Molecular consequence: missense variant.
Genome position (GRCh38, 1-based): chr2:205,401,114, A>G. VCF-style: chr2-205401114-A-G. GRCh37 (hg19) VCF-style: chr2-206265838-A-G.
Other names: c.2525A>G, p.Glu842Gly (NM_057177.7); c.2546A>G, p.Glu849Gly (NM_152526.6); c.2732A>G, p.Glu911Gly (NM_205863.4); short protein forms E842G, E849G, E911G.
Identifiers: ClinVar variation 3054213 (VCV003054213.3), dbSNP rs201236501, ClinGen allele CA2068352.